The following continues an entry in ClinVar:

NM_005609.4(PYGM):c.613G>A (p.Gly205Ser)

Gene: PYGM. ClinVar aggregate classification (germline): Pathogenic/Likely pathogenic. Pathogenic (17); Likely pathogenic (1).

Submissions 13 to 21 of 21:

Molecular Genetics, Royal Melbourne Hospital
Classification: Pathogenic for Glycogen storage disease, type V. Last evaluated: 2022-02-04. Review status: criteria provided, single submitter. Criteria: ACMG Guidelines, 2015. Collection method: clinical testing. Allele origin: germline. Affected: yes.
Comment: This sequence change in PYGM is predicted to replace glycine with serine at codon 205, p.(Gly205Ser). The glycine residue is highly conserved (100 vertebrates, UCSC), and is not located in an annotated functional domain. There is a small physicochemical difference between glycine and serine. The highest population minor allele frequency in gnomAD v2.1 is 0.02% (27/129,004 alleles) in the European (non-Finnish) population, which is consistent with a recessive condition. This variant is the second most common variant identified in caucasian individuals with glycogen storage disease type V. It has been detected in the homozygous and compound heterozygous states in individuals with myophosphorylase deficiency, and has been reported to segregate with disease (PMID: 8316268, 34534370). In vitro functional assays in Chinese hamster ovary cells showed misfolding and accelerated protein turnover indicating that this variant impacts protein function (PMID: 22818872). Multiple lines of computational evidence predict a deleterious effect for the missense substitution (6/6 algorithms). Based on the classification scheme RMH Modified ACMG Guidelines v1.5.1, this variant is classified as PATHOGENIC. Following criteria are met: PM3_VeryStrong, PS3_Supporting, PM2_Supporting, PP1, PP3.

Women's Health and Genetics/Laboratory Corporation of America, LabCorp
Classification: Pathogenic for Glycogen storage disease, type V. Last evaluated: 2021-03-09. Review status: criteria provided, single submitter. Criteria: LabCorp Variant Classification Summary - May 2015. Collection method: clinical testing. Allele origin: germline.
Comment: Variant summary: PYGM c.613G>A (p.Gly205Ser) results in a non-conservative amino acid change in the encoded protein sequence. Five of five in-silico tools predict a damaging effect of the variant on protein function. The variant allele was found at a frequency of 0.00012 in 251264 control chromosomes (gnomAD). This frequency is not significantly higher than expected for a pathogenic variant in PYGM causing Glycogen Storage Disease, Type V (0.00012 vs 0.0035), allowing no conclusion about variant significance. c.613G>A has been reported in the literature in multiple homozygous and compound heterozygous individuals affected with Glycogen Storage Disease, Type V (McArdle disease), and was described as the second most common pathogenic variant in the Caucasian population (see e.g. Tsujino_1993, Martin_2001, Vieitez_2011). These data indicate that the variant is very likely to be associated with disease. At least one publication reported experimental evidence evaluating an impact on protein function, and demonstrated that the variant results in decreased protein expression, together with an extensive aggregation of the variant protein in the perinuclear region (Birch_2012). Seven clinical diagnostic laboratories have submitted clinical-significance assessments for this variant to ClinVar after 2014 without evidence for independent evaluation. All laboratories classified the variant as pathogenic. Based on the evidence outlined above, the variant was classified as pathogenic.

GeneDx
Classification: Pathogenic. Last evaluated: 2021-03-02. Review status: criteria provided, single submitter. Criteria: GeneDx Variant Classification Process June 2021. Collection method: clinical testing. Allele origin: germline. Affected: yes.
Comment: Functional studies demonstrate that the G205S variant results in undetectable PYGM protein levels (Birch et al., 2013); In silico analysis, which includes protein predictors and evolutionary conservation, supports a deleterious effect; This variant is associated with the following publications: (PMID: 10382912, 8316268, 31980526, 30316539, 30415384, 19433441, 17915571, 22818872, 25240406, 11706962, 10382911, 7603523, 19251976)

Illumina Laboratory Services, Illumina
Classification: Pathogenic for Glycogen storage disease, type V. Last evaluated: 2018-12-16. Review status: criteria provided, single submitter. Criteria: ICSL Variant Classification Criteria 09 May 2019. Collection method: clinical testing. Allele origin: germline.
Comment: Across a selection of available literature, the PYGM c.613G>A (p.Gly205Ser) missense variant has been reported in at least 14 homozygotes and 20 compound heterozygotes with glycogen storage disease type V (also known as McArdle disease) (Tsujino et al. 1993; Rubio et al. 2007; Lucia et al. 2012). Control data are unavailable for the p.Gly205Ser variant, which is reported at a frequency of 0.000349 in the European American population of the Exome sequencing project. In functional studies, overexpression of GFP-Gly205Ser-PYGM resulted in significant mislocalisation and aggregation of the altered protein to the perinuclear membrane region of CHO cells (Birch et al. 2013). Based on the collective evidence, the PYGM p.Gly205Ser variant is classified as pathogenic for glycogen storage disease type V. This variant was observed by ICSL as part of a predisposition screen in an ostensibly healthy population.

Eurofins Ntd Llc (ga)
Classification: Pathogenic. Last evaluated: 2015-11-04. Review status: criteria provided, single submitter. Criteria: EGL Classification Definitions 2015. Collection method: clinical testing. Allele origin: germline. Observed: 2 variant alleles, 1 heterozygote, 1 homozygote.

Clinical Genetics Service, Universitary Hospital 12 de Octubre
Classification: Pathogenic for Glycogen storage disease, type V. Review status: criteria provided, single submitter. Criteria: ACMG Guidelines, 2015. Collection method: clinical testing. Allele origin: germline. Affected: yes.

Counsyl
Classification: Pathogenic for Glycogen storage disease, type V. Last evaluated: 2015-12-18. Review status: no assertion criteria provided. Collection method: clinical testing. Allele origin: unknown. Not counted in ClinVar's aggregate classification.

OMIM
Classification: Pathogenic for MCARDLE DISEASE. Last evaluated: 2001-01-01. Review status: no assertion criteria provided. Collection method: literature only. Allele origin: germline. Not counted in ClinVar's aggregate classification.

GeneReviews
No classification provided. Condition: Glycogen storage disease, type V. Review status: no classification provided. Collection method: literature only. Allele origin: germline. Affected: yes. Not counted in ClinVar's aggregate classification.

Literature cited by the submitters: PubMed 8316268 (cited by 7 submitters); PubMed 17221871 (cited by Labcorp Genetics (formerly Invitae), Labcorp and Illumina Laboratory Services, Illumina); PubMed 17404776 (cited by Labcorp Genetics (formerly Invitae), Labcorp); PubMed 17630210 (cited by Labcorp Genetics (formerly Invitae), Labcorp); PubMed 19251976 (cited by Labcorp Genetics (formerly Invitae), Labcorp); PubMed 22818872 (cited by 4 submitters); PubMed 34534370 (cited by Natera, Inc. and Molecular Genetics, Royal Melbourne Hospital); PubMed 20301518 (cited by Victorian Clinical Genetics Services, Murdoch Childrens Research Institute); PubMed 32386344 (cited by Victorian Clinical Genetics Services, Murdoch Childrens Research Institute); PubMed 21802952 (cited by 3billion and Women's Health and Genetics/Laboratory Corporation of America, LabCorp); PubMed 11706962 (cited by Women's Health and Genetics/Laboratory Corporation of America, LabCorp); PubMed 25240406 (cited by Women's Health and Genetics/Laboratory Corporation of America, LabCorp); PubMed 22250184 (cited by Illumina Laboratory Services, Illumina); PubMed 11168025 (cited by OMIM); NCBI Bookshelf NBK1344 (cited by GeneReviews).